The following is an entry in ClinVar:

NM_173354.5(SIK1):c.408C>T (p.Ala136=)

Gene: SIK1 (salt inducible kinase 1; minus strand). Cytogenetic location: 21q22.3.
Variant type: single nucleotide variant.
Coding change: c.408C>T on transcript NM_173354.5 (MANE Select); coding-DNA position 408, C replaced by T.
Protein change: p.Ala136=; no amino-acid change (alanine 136 retained).
Molecular consequence: synonymous variant.
Genome position (GRCh38, 1-based): chr21:43,421,729, G>A on the plus strand (C>T on the coding strand, the complement: SIK1 is on the minus strand). VCF-style: chr21-43421729-G-A. GRCh37 (hg19) VCF-style: chr21-44841609-G-A.
Identifiers: ClinVar variation 546907 (VCV000546907.52), dbSNP rs150770510, ClinGen allele CA321328139.

ClinVar aggregate classification (germline): Likely benign. Review status: criteria provided, multiple submitters, no conflicts (2 of 4 stars). 2 submissions from 2 submitters: Likely benign (2). Last evaluated 2026-01-05.

Conditions:
Developmental and epileptic encephalopathy, 30 (DEE30). Also called: Epileptic encephalopathy, early infantile, 30. Identifiers: MedGen C4225360, MONDO:0014595, OMIM 616341.

Allele frequency attached by ClinVar (database versions not stated): gnomAD 0.00003; ExAC 0.00004; gnomAD exomes 0.00005; ESP Exome Variant Server 0.00008.

Submissions (2):

Labcorp Genetics (formerly Invitae), Labcorp
Classification: Likely benign for Developmental and epileptic encephalopathy, 30. Last evaluated: 2026-01-05. Review status: criteria provided, single submitter. Criteria: Invitae Variant Classification Sherloc (09022015). Collection method: clinical testing. Allele origin: germline.

CeGaT Center for Human Genetics Tuebingen
Classification: Likely benign. Last evaluated: 2023-01-01. Review status: criteria provided, single submitter. Criteria: CeGaT Center For Human Genetics Tuebingen Variant Classification Criteria Version 2. Collection method: clinical testing. Allele origin: germline. Affected: yes. Observed: 1 variant allele.
Comment: SIK1: BP4, BP7